The following is an entry in ClinVar:

ClinVar aggregate classification (germline): Likely pathogenic (1 of 4 stars; one submission).

Conditions:
Dilated cardiomyopathy 1G (CMD1G). Identifiers: Orphanet 154, MedGen C1858763, MONDO:0011400, OMIM 604145.
Autosomal recessive limb-girdle muscular dystrophy type 2J (LGMDR10). Also called: MUSCULAR DYSTROPHY, LIMB-GIRDLE, AUTOSOMAL RECESSIVE 10; Limb-girdle muscular dystrophy, type 2J. Identifiers: Orphanet 140922, MedGen C1837342, MONDO:0012127, OMIM 608807.

Submission:

Labcorp Genetics (formerly Invitae), Labcorp
Classification: Likely pathogenic for Dilated cardiomyopathy 1G; Autosomal recessive limb-girdle muscular dystrophy type 2J. Last evaluated: 2019-12-03. Review status: criteria provided, single submitter. Criteria: Invitae Variant Classification Sherloc (09022015). Collection method: clinical testing. Allele origin: germline.
Comment: This sequence change results in a premature translational stop signal in the TTN gene (p.Met29046Lysfs*11). While this is not anticipated to result in nonsense mediated decay, it is expected to create a truncated TTN protein. This variant is not present in population databases (ExAC no frequency). This variant has not been reported in the literature in individuals with TTN-related conditions. In summary, the currently available evidence indicates that the variant is pathogenic, but additional data are needed to prove that conclusively. Therefore, this variant has been classified as Likely Pathogenic. This variant is located in the A band of TTN (PMID: 25589632). Truncating variants in this region are significantly overrepresented in patients affected with dilated cardiomyopathy (PMID: 25589632). Truncating variants in this region have also been reported in individuals affected with autosomal recessive centronuclear myopathy (PMID: 23975875).

Literature cited by the submitters: PubMed 25589632; PubMed 23975875.

NM_001267550.2(TTN):c.87137_87138del (p.Met29046fs)

Genes: TTN (titin; minus strand), TTN-AS1 (TTN antisense RNA 1; plus strand). Cytogenetic location: 2q31.2.
Variant type: Deletion.
Coding change: c.87137_87138del on transcript NM_001267550.2 (MANE Select); coding-DNA positions 87137 to 87138, 2 bases deleted (TG; older notation c.87137_87138delTG).
Protein change: p.Met29046fs; shifts the reading frame from methionine 29046.
Molecular consequence: frameshift variant.
Genome position (GRCh38, 1-based): chr2:178,558,216-178,558,217, CA deleted on the plus strand (TG on the coding strand, the reverse complement: TTN is on the minus strand). VCF-style (leftmost placement, unchanged base first): chr2-178558215-TCA-T. GRCh37 (hg19) VCF-style: chr2-179422942-TCA-T.
Other names: c.82214_82215del, p.Met27405fs (NM_001256850.1); c.59942_59943del, p.Met19981fs (NM_003319.4); c.79433_79434del, p.Met26478fs (NM_133378.4); c.60317_60318del, p.Met20106fs (NM_133432.3); c.60518_60519del, p.Met20173fs (NM_133437.4); short protein forms M20106fs, M26478fs, M29046fs, M19981fs, M20173fs, M27405fs.
Identifiers: ClinVar variation 854891 (VCV000854891.10), dbSNP rs1702243883, ClinGen allele CA916081328.